The following is an entry in ClinVar:

ClinVar aggregate classification (germline): Uncertain significance (1 of 4 stars; one submission).

Conditions:
Familial thoracic aortic aneurysm and aortic dissection (TAAD). Also called: Thoracic aortic aneurysms and dissections. Identifiers: Orphanet 91387, MedGen C4707243, MONDO:0019625.

Submission:

Ambry Genetics
Classification: Uncertain significance for Familial thoracic aortic aneurysm and aortic dissection. Last evaluated: 2023-02-16. Review status: criteria provided, single submitter. Criteria: Ambry Variant Classification Scheme 2023. Collection method: clinical testing. Allele origin: germline.
Comment: The p.E45K variant (also known as c.133G>A), located in coding exon 1 of the PRKG1 gene, results from a G to A substitution at nucleotide position 133. The glutamic acid at codon 45 is replaced by lysine, an amino acid with similar properties. This amino acid position is conserved. In addition, the in silico prediction for this alteration is inconclusive. Since supporting evidence is limited at this time, the clinical significance of this alteration remains unclear.

NM_006258.4(PRKG1):c.133G>A (p.Glu45Lys)

Gene: PRKG1 (protein kinase cGMP-dependent 1; plus strand). Cytogenetic location: 10q11.23.
Variant type: single nucleotide variant.
Coding change: c.133G>A on transcript NM_006258.4 (MANE Select); coding-DNA position 133, G replaced by A.
Protein change: p.Glu45Lys; replaces glutamic acid 45 with lysine.
Molecular consequence: missense variant. On other transcripts: intron variant (1).
Genome position (GRCh38, 1-based): chr10:51,074,723, G>A. VCF-style: chr10-51074723-G-A. GRCh37 (hg19) VCF-style: chr10-52834483-G-A.
Other names: c.133G>A, p.Glu45Lys (NM_001374782.1); c.267-78441G>A (NM_001098512.3); short protein forms E45K.
Identifiers: ClinVar variation 2497637 (VCV002497637.2), dbSNP rs2493152134, ClinGen allele CA376826869.
Genomic context (GRCh38, chr10:51,074,723, plus strand): 5'-ATCGACGAGCTGGAGCTGGAGTTGGATCAGAAGGACGAACTGATCCAGAAGCTGCAGAAC[G>A]AGCTGGACAAGTACCGCTCGGTGATCCGACCAGCCACCCAGCAGGCGCAGAAGCAGAGCG-3'
Protein context (NP_006249.1, residues 35-55): KDELIQKLQN[Glu45Lys]LDKYRSVIRP